The following is an entry in ClinVar:

ClinVar aggregate classification (germline): Benign/Likely benign. Review status: criteria provided, multiple submitters, no conflicts (2 of 4 stars). 19 submissions from 19 submitters: Benign (12); Likely benign (1). 6 of the submissions do not count toward it. Last evaluated 2026-02-04.

Conditions:
Wilson disease (WND). Also called: Wilson's disease. Identifiers: Orphanet 905, MedGen C0019202, MONDO:0010200, OMIM 277900. Disease mechanism: loss of function.

Allele frequency attached by ClinVar (database versions not stated): TOPMed 0.52776; ExAC 0.53738; 1000 Genomes Project 30x 0.50968; gnomAD 0.53687 and 0.53754; ESP Exome Variant Server 0.54909; gnomAD exomes 0.56468 and 0.53788; 1000 Genomes Project 0.50180.
gnomAD v4.1: 906,752 of 1,613,818 alleles (56%); highest among the groups gnomAD compares: Middle Eastern, 62%; 256,755 homozygotes.

Submissions (19):

Labcorp Genetics (formerly Invitae), Labcorp
Classification: Benign for Wilson disease. Last evaluated: 2026-02-04. Review status: criteria provided, single submitter. Criteria: Invitae Variant Classification Sherloc (09022015). Collection method: clinical testing. Allele origin: germline.

ARUP Laboratories, Molecular Genetics and Genomics, ARUP Laboratories
Classification: Benign for Wilson disease. Last evaluated: 2025-07-31. Review status: criteria provided, single submitter. Criteria: ARUP Molecular Germline Variant Investigation Process 2024. Collection method: clinical testing. Allele origin: germline.

Blueprint Genetics
Classification: Benign. Last evaluated: 2024-11-27. Review status: criteria provided, single submitter. Criteria: ACMG Guidelines, 2015. Collection method: clinical testing. Allele origin: germline.

Mayo Clinic Laboratories, Mayo Clinic
Classification: Benign. Last evaluated: 2023-01-05. Review status: criteria provided, single submitter. Criteria: ACMG Guidelines, 2015. Collection method: clinical testing. Allele origin: germline. Observed: 2,149 variant alleles.
Comment: BA1, BP4, BP7

Genome-Nilou Lab
Classification: Benign for Wilson disease. Last evaluated: 2021-07-01. Review status: criteria provided, single submitter. Criteria: ACMG Guidelines, 2015. Collection method: clinical testing. Allele origin: germline. Affected: no.

Color Diagnostics, LLC DBA Color Health
Classification: Benign for Wilson disease. Last evaluated: 2018-03-05. Review status: criteria provided, single submitter. Criteria: ACMG Guidelines, 2015. Collection method: clinical testing. Allele origin: germline.

Illumina Laboratory Services, Illumina
Classification: Benign for Wilson disease. Last evaluated: 2018-01-13. Review status: criteria provided, single submitter. Criteria: ICSL Variant Classification Criteria 13 December 2019. Collection method: clinical testing. Allele origin: germline.
Comment: This variant was observed in the ICSL laboratory as part of a predisposition screen in an ostensibly healthy population. It had not been previously curated by ICSL or reported in the Human Gene Mutation Database (HGMD: prior to June 1st, 2018), and was therefore a candidate for classification through an automated scoring system. Utilizing variant allele frequency, disease prevalence and penetrance estimates, and inheritance mode, an automated score was calculated to assess if this variant is too frequent to cause the disease. Based on the score and internal cut-off values, a variant classified as benign is not then subjected to further curation. The score for this variant resulted in a classification of benign for this disease.

Eurofins Ntd Llc (ga)
Classification: Benign. Last evaluated: 2016-04-27. Review status: criteria provided, single submitter. Criteria: EGL Classification Definitions 2015. Collection method: clinical testing. Allele origin: germline. Observed: 53 variant alleles, 32 heterozygotes, 21 homozygotes.

GeneDx
Classification: Benign. Last evaluated: 2015-12-02. Review status: criteria provided, single submitter. Criteria: GeneDx Variant Classification (06012015). Collection method: clinical testing. Allele origin: germline. Affected: yes.
Comment: This variant is considered likely benign or benign based on one or more of the following criteria: it is a conservative change, it occurs at a poorly conserved position in the protein, it is predicted to be benign by multiple in silico algorithms, and/or has population frequency not consistent with disease.

Genetic Services Laboratory, University of Chicago
Classification: Benign. Last evaluated: 2013-02-08. Review status: criteria provided, single submitter. Criteria: ACMG Guidelines, 2007. Collection method: clinical testing. Allele origin: germline. Inheritance: Autosomal recessive inheritance.

Women's Health and Genetics/Laboratory Corporation of America, LabCorp
Classification: Benign for Wilson Disease. Last evaluated: 2011-08-18. Review status: criteria provided, single submitter. Criteria: LabCorp Variant Classification Summary - May 2015. Collection method: curation, clinical testing. Allele origin: germline. Inheritance: autosomal unknown. Affected: yes.
ClinVar note: Converted during submission from benign to Benign.

Breakthrough Genomics
Classification: Likely benign. Review status: criteria provided, single submitter. Criteria: ACMG Guidelines, 2015. Collection method: not provided. Allele origin: germline. Inheritance: Autosomal recessive inheritance. Affected: yes.

PreventionGenetics, part of Exact Sciences
Classification: Benign. Review status: criteria provided, single submitter. Criteria: ACMG Guidelines, 2015. Collection method: clinical testing. Allele origin: germline.

Natera, Inc.
Classification: Benign for Wilson disease. Last evaluated: 2020-09-16. Review status: no assertion criteria provided. Collection method: clinical testing. Allele origin: germline. Not counted in ClinVar's aggregate classification.

Clinical Genetics, Academic Medical Center
Classification: Benign. Review status: no assertion criteria provided. Collection method: clinical testing. Allele origin: germline. Affected: yes. Study: VKGL Data-share Consensus. Not counted in ClinVar's aggregate classification.

Department of Pathology and Laboratory Medicine, Sinai Health System
Classification: Uncertain significance. Review status: no assertion criteria provided. Collection method: clinical testing. Allele origin: unknown. Affected: yes. Study: The Canadian Open Genetics Repository (COGR). Not counted in ClinVar's aggregate classification.
Comment: multiple AR variants in same gene - keep for nowAllele frequency is common in at least one population database (frequency: 61.035% in ExAC) based on the frequency threshold of 2.434% for this gene.Variant was observed in a homozygous state in population databases more than expected for disease.8 reputable source/s reports the variant as benign, but the evidence is not available to the laboratory to perform an independent evaluation.

Diagnostic Laboratory, Department of Genetics, University Medical Center Groningen
Classification: Benign for Wilson disease. Review status: no assertion criteria provided. Collection method: clinical testing. Allele origin: germline. Affected: yes. Study: VKGL Data-share Consensus. Not counted in ClinVar's aggregate classification.

Genome Diagnostics Laboratory, Amsterdam University Medical Center
Classification: Benign. Review status: no assertion criteria provided. Collection method: clinical testing. Allele origin: germline. Affected: yes. Study: VKGL Data-share Consensus. Not counted in ClinVar's aggregate classification.

Joint Genome Diagnostic Labs from Nijmegen and Maastricht, Radboudumc and MUMC+
Classification: Benign. Review status: no assertion criteria provided. Collection method: clinical testing. Allele origin: germline. Affected: yes. Study: VKGL Data-share Consensus. Not counted in ClinVar's aggregate classification.

Literature cited by the submitters: PubMed 27148382 (cited by Mayo Clinic Laboratories, Mayo Clinic); PubMed 7626145 (cited by Women's Health and Genetics/Laboratory Corporation of America, LabCorp); PubMed 14966923 (cited by Women's Health and Genetics/Laboratory Corporation of America, LabCorp).

NM_000053.4(ATP7B):c.3903+6C>T

Gene: ATP7B (ATPase copper transporting beta; minus strand). Cytogenetic location: 13q14.3.
Variant type: single nucleotide variant.
Coding change: c.3903+6C>T on transcript NM_000053.4 (MANE Select); 6 bases into the intron after coding-DNA position 3903, C replaced by T.
Molecular consequence: intron variant.
Genome position (GRCh38, 1-based): chr13:51,937,470, G>A on the plus strand (C>T on the coding strand, the complement: ATP7B is on the minus strand). VCF-style: chr13-51937470-G-A. GRCh37 (hg19) VCF-style: chr13-52511606-G-A.
Other names: p.?; c.3570+6C>T (NM_001243182.2); c.3282+6C>T (NM_001005918.3); c.3651+6C>T (NM_001330579.2); c.3669+6C>T (NM_001330578.2).
Identifiers: ClinVar variation 35727 (VCV000035727.57), dbSNP rs2282057, ClinGen allele CA145691.